The following is an entry in ClinVar:

ClinVar aggregate classification (germline): Uncertain significance. Review status: criteria provided, multiple submitters, no conflicts (2 of 4 stars). 2 submissions from 2 submitters: Uncertain significance (2). Last evaluated 2024-04-03.

Allele frequency attached by ClinVar (database versions not stated): gnomAD exomes below 0.00001; gnomAD 0.00001; TOPMed 0.00002.
gnomAD v4.1: 4 of 1,613,088 alleles (0.00025%); highest among the groups gnomAD compares: African/African-American, 0.004%; no homozygotes.

Submissions (2):

Labcorp Genetics (formerly Invitae), Labcorp
Classification: Uncertain significance. Last evaluated: 2024-04-03. Review status: criteria provided, single submitter. Criteria: Invitae Variant Classification Sherloc (09022015). Collection method: clinical testing. Allele origin: germline.
Comment: This sequence change replaces valine, which is neutral and non-polar, with alanine, which is neutral and non-polar, at codon 56 of the COMP protein (p.Val56Ala). This variant is not present in population databases (gnomAD no frequency). This variant has not been reported in the literature in individuals affected with COMP-related conditions. ClinVar contains an entry for this variant (Variation ID: 1524115). An algorithm developed to predict the effect of missense changes on protein structure and function (PolyPhen-2) suggests that this variant is likely to be disruptive. In summary, the available evidence is currently insufficient to determine the role of this variant in disease. Therefore, it has been classified as a Variant of Uncertain Significance.

GeneDx
Classification: Uncertain significance. Last evaluated: 2023-01-03. Review status: criteria provided, single submitter. Criteria: GeneDx Variant Classification Process June 2021. Collection method: clinical testing. Allele origin: germline. Affected: yes.
Comment: Not observed at significant frequency in large population cohorts (gnomAD); In silico analysis supports that this missense variant does not alter protein structure/function; Has not been previously published as pathogenic or benign to our knowledge

NM_000095.3(COMP):c.167T>C (p.Val56Ala)

Gene: COMP (cartilage oligomeric matrix protein; minus strand). Cytogenetic location: 19p13.11.
Variant type: single nucleotide variant.
Coding change: c.167T>C on transcript NM_000095.3 (MANE Select); coding-DNA position 167, T replaced by C.
Protein change: p.Val56Ala; replaces valine 56 with alanine.
Molecular consequence: missense variant.
Genome position (GRCh38, 1-based): chr19:18,790,612, A>G on the plus strand (T>C on the coding strand, the complement: COMP is on the minus strand). VCF-style: chr19-18790612-A-G. GRCh37 (hg19) VCF-style: chr19-18901421-A-G.
Other names: c.167T>C (NM_000095.2); short protein forms V56A.
Identifiers: ClinVar variation 1524115 (VCV001524115.8), dbSNP rs1022567248, ClinGen allele CA306260805.